The following is an entry in ClinVar:

NM_000540.3(RYR1):c.7205G>A (p.Arg2402Gln)

Gene: RYR1 (ryanodine receptor 1; plus strand). Cytogenetic location: 19q13.2.
Variant type: single nucleotide variant.
Coding change: c.7205G>A on transcript NM_000540.3 (MANE Select); coding-DNA position 7205, G replaced by A.
Protein change: p.Arg2402Gln; replaces arginine 2402 with glutamine.
Molecular consequence: missense variant.
Genome position (GRCh38, 1-based): chr19:38,499,812, G>A. VCF-style: chr19-38499812-G-A. GRCh37 (hg19) VCF-style: chr19-38990452-G-A.
Other names: c.7205G>A, p.Arg2402Gln (NM_001042723.2); short protein forms R2402Q.
Identifiers: ClinVar variation 1310476 (VCV001310476.8), dbSNP rs1316906057, ClinGen allele CA082356.

ClinVar aggregate classification (germline): Uncertain significance. Review status: criteria provided, multiple submitters, no conflicts (2 of 4 stars). 4 submissions from 4 submitters: Uncertain significance (4). Last evaluated 2025-06-18.

Conditions:
RYR1-related disorder. Also called: RYR1-related disorders; RYR1-related condition. Identifiers: MedGen CN239331.
Malignant hyperthermia, susceptibility to, 1 (MHS1). Also called: RYR1-Related Malignant Hyperthermia Susceptibility; Anesthesia related hyperthermia; Malignant hyperpyrexia; Fulminating hyperpyrexia; Pharmacogenic myopathy; Malignant hyperthermia suceptibility 1. Identifiers: Orphanet 423, MedGen C2930980, MONDO:0007783, OMIM 145600.

Allele frequency attached by ClinVar (database versions not stated): gnomAD exomes below 0.00001; TOPMed 0.00001.
gnomAD v4.1: 6 of 1,605,660 alleles (0.00037%); highest among the groups gnomAD compares: Admixed American, 0.0017%; no homozygotes.

Submissions (4):

Color Diagnostics, LLC DBA Color Health
Classification: Uncertain significance for Malignant hyperthermia, susceptibility to, 1. Last evaluated: 2025-06-18. Review status: criteria provided, single submitter. Criteria: ACMG Guidelines, 2015. Collection method: clinical testing. Allele origin: germline.
Comment: This missense variant replaces arginine with glutamine at codon 2402 of the RYR1 protein. Computational prediction suggests that this variant may have deleterious impact on protein structure and function. Although functional studies have not been reported for this variant, it occurs in a region of RYR1 considered to be a hotspot for pathogenic variants that contribute to malignant hyperthermia susceptibility (PMID: 21118704). This variant has not been reported in individuals affected with RYR1-related disorders in the literature. This variant has been identified in 1/235504 chromosomes in the general population by the Genome Aggregation Database (gnomAD). The available evidence is insufficient to determine the role of this variant in disease conclusively. Therefore, this variant is classified as a Variant of Uncertain Significance.

Labcorp Genetics (formerly Invitae), Labcorp
Classification: Uncertain significance for RYR1-related disorder. Last evaluated: 2023-12-30. Review status: criteria provided, single submitter. Criteria: Invitae Variant Classification Sherloc (09022015). Collection method: clinical testing. Allele origin: germline.
Comment: This sequence change replaces arginine, which is basic and polar, with glutamine, which is neutral and polar, at codon 2402 of the RYR1 protein (p.Arg2402Gln). This variant is present in population databases (no rsID available, gnomAD 0.003%). This variant has not been reported in the literature in individuals affected with RYR1-related conditions. ClinVar contains an entry for this variant (Variation ID: 1310476). Advanced modeling of protein sequence and biophysical properties (such as structural, functional, and spatial information, amino acid conservation, physicochemical variation, residue mobility, and thermodynamic stability) has been performed at Invitae for this missense variant, however the output from this modeling did not meet the statistical confidence thresholds required to predict the impact of this variant on RYR1 protein function. In summary, the available evidence is currently insufficient to determine the role of this variant in disease. Therefore, it has been classified as a Variant of Uncertain Significance.

GeneDx
Classification: Uncertain significance. Last evaluated: 2023-12-19. Review status: criteria provided, single submitter. Criteria: GeneDx Variant Classification Process June 2021. Collection method: clinical testing. Allele origin: germline. Affected: yes.
Comment: Not observed at a significant frequency in large population cohorts (gnomAD); In silico analysis supports that this missense variant does not alter protein structure/function; Has not been previously published as pathogenic or benign to our knowledge; This variant is associated with the following publications: (PMID: 12668474, 33767344)

All of Us Research Program, National Institutes of Health
Classification: Uncertain significance for Malignant hyperthermia, susceptibility to, 1. Last evaluated: 2023-04-03. Review status: criteria provided, single submitter. Criteria: ACMG Guidelines, 2015. Collection method: clinical testing. Allele origin: germline. Inheritance: Autosomal dominant inheritance. Observed: 1 variant allele, 1 heterozygote.
Comment: This missense variant replaces arginine with glutamine at codon 2402 of the RYR1 protein. Computational prediction suggests that this variant may have deleterious impact on protein structure and function (internally defined REVEL score threshold >= 0.7, PMID: 27666373). Although functional studies have not been reported for this variant, it occurs in a region of RYR1 considered to be a hotspot for pathogenic variants that contribute to malignant hyperthermia susceptibility (PMID: 21118704). This variant has not been reported in individuals affected with RYR1-related disorders in the literature. This variant has been identified in 1/235504 chromosomes in the general population by the Genome Aggregation Database (gnomAD). The available evidence is insufficient to determine the role of this variant in disease conclusively. Therefore, this variant is classified as a Variant of Uncertain Significance.

This study involves interpretation of variants in research participants for the purpose of population health screening. Participant phenotype was not available at the time of variant classification. Additional details can be found in publication PMID: 35346344, PMCID: PMC8962531

Literature cited by the submitters: PubMed 21118704 (cited by Color Diagnostics, LLC DBA Color Health and All of Us Research Program, National Institutes of Health).